The following is an entry in ClinVar:

ClinVar aggregate classification (germline): Pathogenic/Likely pathogenic. Review status: criteria provided, multiple submitters, no conflicts (2 of 4 stars). 4 submissions from 4 submitters: Pathogenic (1); Likely pathogenic (2). 1 of the submissions does not count toward it. Last evaluated 2024-08-15.

Conditions:
Pyknodysostosis. Also called: Pycnodysostosis. Identifiers: Orphanet 763, MedGen C0238402, MONDO:0009940, OMIM 265800.

Allele frequency attached by ClinVar (database versions not stated): gnomAD exomes below 0.00001.
gnomAD v4.1: 1 of 1,613,948 alleles (0.000062%); highest among the groups gnomAD compares: Non-Finnish European, 0.000085%; no homozygotes.

Submissions (4):

Natera, Inc.
Classification: Likely pathogenic for Pyknodysostosis. Last evaluated: 2024-08-15. Review status: criteria provided, single submitter. Criteria: Natera Variant Classification Schema (03/2026). Collection method: clinical testing. Allele origin: germline.
Comment: The c.121-2A>G variant in CTSK is a canonical splice acceptor site variant predicted to affect pre-mRNA splicing, which may result in an abnormal transcript and altered protein product. This variant is expected to result in nonsense mediated decay, truncation, or a dysfunctional protein product. This variant is rare in the general population with a frequency below the threshold expected for the associated phenotype(s). Given the available evidence, this variant is classified as Likely Pathogenic.

Labcorp Genetics (formerly Invitae), Labcorp
Classification: Pathogenic. Last evaluated: 2023-09-08. Review status: criteria provided, single submitter. Criteria: Invitae Variant Classification Sherloc (09022015). Collection method: clinical testing. Allele origin: germline.
Comment: Disruption of this splice site has been observed in individual(s) with pycnodysostosis (PMID: 10878663). In at least one individual the data is consistent with being in trans (on the opposite chromosome) from a pathogenic variant. It has also been observed to segregate with disease in related individuals. This sequence change affects an acceptor splice site in intron 2 of the CTSK gene. RNA analysis indicates that disruption of this splice site induces altered splicing and likely results in a shortened protein product. This variant is not present in population databases (gnomAD no frequency). ClinVar contains an entry for this variant (Variation ID: 370558). Studies have shown that disruption of this splice site results in skipping of exon 3, but is expected to preserve the integrity of the reading-frame (PMID: 10878663). For these reasons, this variant has been classified as Pathogenic.

Genome-Nilou Lab
Classification: Likely pathogenic for Pyknodysostosis. Last evaluated: 2023-04-11. Review status: criteria provided, single submitter. Criteria: ACMG Guidelines, 2015. Collection method: clinical testing. Allele origin: germline. Affected: no.

Counsyl
Classification: Likely pathogenic for Pyknodysostosis. Last evaluated: 2016-02-26. Review status: no assertion criteria provided. Collection method: clinical testing. Allele origin: unknown. Not counted in ClinVar's aggregate classification.

Literature cited by the submitters: PubMed 10878663 (cited by Labcorp Genetics (formerly Invitae), Labcorp).

NM_000396.4(CTSK):c.121-2A>G

Gene: CTSK (cathepsin K; minus strand). Cytogenetic location: 1q21.3.
Variant type: single nucleotide variant.
Coding change: c.121-2A>G on transcript NM_000396.4 (MANE Select); the canonical splice acceptor site of the intron before coding-DNA position 121, A replaced by G.
Molecular consequence: splice acceptor variant.
Genome position (GRCh38, 1-based): chr1:150,806,226, T>C on the plus strand (A>G on the coding strand, the complement: CTSK is on the minus strand). VCF-style: chr1-150806226-T-C. GRCh37 (hg19) VCF-style: chr1-150778702-T-C.
Identifiers: ClinVar variation 370558 (VCV000370558.11), dbSNP rs1057516587, ClinGen allele CA16040660.
Genomic context (GRCh38, chr1:150,806,226, plus strand): 5'-TGGATGGAAATATACTTCAGGTTTTTTTCCCAAATTAAACGCCGAGAGATTTCATCCACC[T>C]AAACAAAGCATAGTCAGTACTTGTATAGACTGTCTACAGTTACATATGTAATATTGTGAA-3'